The following is an entry in ClinVar:

ClinVar aggregate classification (germline): Likely benign (0 of 4 stars; one submission).

Conditions:
DCHS1-related disorder. Also called: DCHS1-related condition.

Allele frequency attached by ClinVar (database versions not stated): gnomAD exomes 0.00001; TOPMed 0.00001.
gnomAD v4.1: 5 of 1,613,710 alleles (0.00031%); highest among the groups gnomAD compares: Admixed American, 0.005%; no homozygotes.

Submission:

PreventionGenetics, part of Exact Sciences
Classification: Likely benign for DCHS1-related condition. Last evaluated: 2020-02-05. Review status: no assertion criteria provided. Collection method: clinical testing. Allele origin: germline.
Comment: This variant is classified as likely benign based on ACMG/AMP sequence variant interpretation guidelines (Richards et al. 2015 PMID: 25741868, with internal and published modifications).

NM_003737.4(DCHS1):c.309A>G (p.Thr103=)

Gene: DCHS1 (dachsous cadherin-related 1; minus strand). Cytogenetic location: 11p15.4.
Variant type: single nucleotide variant.
Coding change: c.309A>G on transcript NM_003737.4 (MANE Select); coding-DNA position 309, A replaced by G.
Protein change: p.Thr103=; no amino-acid change (threonine 103 retained).
Molecular consequence: synonymous variant.
Genome position (GRCh38, 1-based): chr11:6,641,305, T>C on the plus strand (A>G on the coding strand, the complement: DCHS1 is on the minus strand). VCF-style: chr11-6641305-T-C. GRCh37 (hg19) VCF-style: chr11-6662536-T-C.
Identifiers: ClinVar variation 3051877 (VCV003051877.2), dbSNP rs1457065107, ClinGen allele CA473242375.